The following is an entry in ClinVar:

NM_000548.5(TSC2):c.1993C>T (p.Pro665Ser)

Gene: TSC2 (TSC complex subunit 2; plus strand). Cytogenetic location: 16p13.3.
Variant type: single nucleotide variant.
Coding change: c.1993C>T on transcript NM_000548.5 (MANE Select); coding-DNA position 1993, C replaced by T.
Protein change: p.Pro665Ser; replaces proline 665 with serine.
Molecular consequence: missense variant. On other transcripts: non-coding transcript variant (5).
Genome position (GRCh38, 1-based): chr16:2,071,830, C>T. VCF-style: chr16-2071830-C-T. GRCh37 (hg19) VCF-style: chr16-2121831-C-T.
Other names: c.1993C>T, p.Pro665Ser (NM_001370404.1, NM_001370405.1, NM_001406663.1 and 6 more transcripts); c.1882C>T, p.Pro628Ser (NM_001406670.1, NM_001318827.2, NM_001406678.1); c.1981C>T, p.Pro661Ser (NM_001406671.1, NM_001406673.1); c.2083C>T, p.Pro695Ser (NM_001406667.1, NM_001406668.1); c.1393C>T, p.Pro465Ser (NM_001406686.1, NM_001406687.1, NM_001406688.1 and 6 more transcripts); c.649C>T, p.Pro217Ser (NM_001406689.1, NM_001406690.1, NM_001406691.1 and 6 more transcripts); c.1846C>T, p.Pro616Ser (NM_001318829.2, NM_001406675.1, NM_001406676.1 and 1 more transcripts); c.2026C>T, p.Pro676Ser (NM_001318832.2); and 3 more; short protein forms P131S, P465S, P511S, P628S, P676S, P646S, P665S, P695S.
Identifiers: ClinVar variation 3329525 (VCV003329525.1).

ClinVar aggregate classification (germline): Uncertain significance (1 of 4 stars; one submission).

Conditions:
Hereditary cancer-predisposing syndrome. Also called: Neoplastic Syndromes, Hereditary; Tumor predisposition; Hereditary neoplastic syndrome; Hereditary Cancer Syndrome. Identifiers: Orphanet 140162, MedGen C0027672, MeSH D009386, MONDO:0015356.

Submission:

Ambry Genetics
Classification: Uncertain significance for Hereditary cancer-predisposing syndrome. Last evaluated: 2024-06-03. Review status: criteria provided, single submitter. Criteria: Ambry Variant Classification Scheme 2023. Collection method: clinical testing. Allele origin: germline.
Comment: The p.P665S variant (also known as c.1993C>T), located in coding exon 18 of the TSC2 gene, results from a C to T substitution at nucleotide position 1993. The proline at codon 665 is replaced by serine, an amino acid with similar properties. This amino acid position is conserved. In addition, the in silico prediction for this alteration is inconclusive. Based on the available evidence, the clinical significance of this variant remains unclear.